The following is an entry in ClinVar:

NM_001204.7(BMPR2):c.595del (p.Asp199fs)

Gene: BMPR2 (bone morphogenetic protein receptor type 2; plus strand). Cytogenetic location: 2q33.2.
Variant type: Deletion.
Coding change: c.595del on transcript NM_001204.7 (MANE Select); coding-DNA position 595, one base deleted (G; older notation c.595delG).
Protein change: p.Asp199fs; shifts the reading frame from aspartic acid 199.
Molecular consequence: frameshift variant.
Genome position (GRCh38, 1-based): chr2:202,514,953, G deleted. VCF-style (leftmost placement, unchanged base first): chr2-202514952-TG-T. GRCh37 (hg19) VCF-style: chr2-203379675-TG-T.
Other names: short protein forms D199fs.
Identifiers: ClinVar variation 2864666 (VCV002864666.3), dbSNP rs2469730914, ClinGen allele CA2739278545.
Genomic context (GRCh38, chr2:202,514,952, plus strand): 5'-CCGTAAACAAGGTCTTCACAGTATGAACATGATGGAGGCAGCAGCATCCGAACCCTCTCT[TG>T]ATCTAGATAATCTGAAACTGTTGGAGGTAAGTTTGCCGTTAGATTATGGACTGTTGTTTC-3'

ClinVar aggregate classification (germline): Pathogenic (1 of 4 stars; one submission).

Conditions:
Primary pulmonary hypertension. Also called: Idiopathic pulmonary hypertension. Identifiers: MedGen C0152171.

Submission:

Labcorp Genetics (formerly Invitae), Labcorp
Classification: Pathogenic for Primary pulmonary hypertension. Last evaluated: 2023-05-15. Review status: criteria provided, single submitter. Criteria: Invitae Variant Classification Sherloc (09022015). Collection method: clinical testing. Allele origin: germline.
Comment: For these reasons, this variant has been classified as Pathogenic. This variant has not been reported in the literature in individuals affected with BMPR2-related conditions. This variant is not present in population databases (gnomAD no frequency). This sequence change creates a premature translational stop signal (p.Asp199Ilefs*2) in the BMPR2 gene. It is expected to result in an absent or disrupted protein product. Loss-of-function variants in BMPR2 are known to be pathogenic (PMID: 16429395).

Literature cited by the submitters: PubMed 16429395.